The following is an entry in ClinVar:

NM_000271.5(NPC1):c.3557G>T (p.Arg1186Leu)

Gene: NPC1 (NPC intracellular cholesterol transporter 1; minus strand). Cytogenetic location: 18q11.2.
Variant type: single nucleotide variant.
Coding change: c.3557G>T on transcript NM_000271.5 (MANE Select); coding-DNA position 3557, G replaced by T.
Protein change: p.Arg1186Leu; replaces arginine 1186 with leucine.
Molecular consequence: missense variant.
Genome position (GRCh38, 1-based): chr18:23,534,480, C>A on the plus strand (G>T on the coding strand, the complement: NPC1 is on the minus strand). VCF-style: chr18-23534480-C-A. GRCh37 (hg19) VCF-style: chr18-21114444-C-A.
Other names: short protein forms R1186L.
Identifiers: ClinVar variation 2125653 (VCV002125653.4), dbSNP rs200444084, ClinGen allele CA401790927.
Genomic context (GRCh38, chr18:23,534,480, plus strand): 5'-GGCGTGGCCCTGCTCAGGGTACTCACGGAGCTGCCCATGTGGGCAAGTGCCTCTTCCGCG[C>A]GCTCCACGCGGCTGCCTTTCATGCTCACCGTGAACGCTCTGGTTATGTGGCTGCAGAACT-3'
Protein context (NP_000262.2, residues 1176-1196): TVSMKGSRVE[Arg1186Leu]AEEALAHMGS

ClinVar aggregate classification (germline): Likely pathogenic (1 of 4 stars; one submission).

Conditions:
Niemann-Pick disease, type C1. Also called: NIEMANN-PICK DISEASE, VARIANT TYPE C1; NIEMANN-PICK DISEASE WITHOUT SPHINGOMYELINASE DEFICIENCY; NEUROVISCERAL STORAGE DISEASE WITH VERTICAL SUPRANUCLEAR OPHTHALMOPLEGIA; NIEMANN-PICK DISEASE WITH CHOLESTEROL ESTERIFICATION BLOCK; NIEMANN-PICK DISEASE, CHRONIC NEURONOPATHIC FORM. Identifiers: Orphanet 646, MedGen C3179455, MONDO:0009757, OMIM 257220.

Submission:

Labcorp Genetics (formerly Invitae), Labcorp
Classification: Likely pathogenic for Niemann-Pick disease, type C1. Last evaluated: 2024-01-02. Review status: criteria provided, single submitter. Criteria: Invitae Variant Classification Sherloc (09022015). Collection method: clinical testing. Allele origin: germline.
Comment: This sequence change replaces arginine, which is basic and polar, with leucine, which is neutral and non-polar, at codon 1186 of the NPC1 protein (p.Arg1186Leu). This variant is not present in population databases (gnomAD no frequency). This variant has not been reported in the literature in individuals affected with NPC1-related conditions. ClinVar contains an entry for this variant (Variation ID: 2125653). Advanced modeling of protein sequence and biophysical properties (such as structural, functional, and spatial information, amino acid conservation, physicochemical variation, residue mobility, and thermodynamic stability) performed at Invitae indicates that this missense variant is expected to disrupt NPC1 protein function with a positive predictive value of 95%. This variant disrupts the p.Arg1186 amino acid residue in NPC1. Other variant(s) that disrupt this residue have been determined to be pathogenic (PMID: 9211849, 22326530, 26666848, 28105569, 30923329). This suggests that this residue is clinically significant, and that variants that disrupt this residue are likely to be disease-causing. In summary, the currently available evidence indicates that the variant is pathogenic, but additional data are needed to prove that conclusively. Therefore, this variant has been classified as Likely Pathogenic.

Literature cited by the submitters: PubMed 9211849; PubMed 22326530; PubMed 26666848; PubMed 28105569; PubMed 30923329.